The following is an entry in ClinVar:

NM_133259.4(LRPPRC):c.3321del (p.Asn1107fs)

Gene: LRPPRC (leucine rich pentatricopeptide repeat containing; minus strand). Cytogenetic location: 2p21.
Variant type: Deletion.
Coding change: c.3321del on transcript NM_133259.4 (MANE Select); coding-DNA position 3321, one base deleted (C; older notation c.3321delC).
Protein change: p.Asn1107fs; shifts the reading frame from asparagine 1107.
Molecular consequence: frameshift variant.
Genome position (GRCh38, 1-based): chr2:43,905,735, G deleted on the plus strand (C on the coding strand, the reverse complement: LRPPRC is on the minus strand). VCF-style (leftmost placement, unchanged base first): chr2-43905734-TG-T. GRCh37 (hg19) VCF-style: chr2-44132873-TG-T.
Other names: short protein forms N1107fs.
Identifiers: ClinVar variation 2741571 (VCV002741571.3), dbSNP rs2466401295, ClinGen allele CA2697548087.

ClinVar aggregate classification (germline): Pathogenic (1 of 4 stars; one submission).

Submission:

Labcorp Genetics (formerly Invitae), Labcorp
Classification: Pathogenic. Last evaluated: 2024-01-11. Review status: criteria provided, single submitter. Criteria: Invitae Variant Classification Sherloc (09022015). Collection method: clinical testing. Allele origin: germline.
Comment: This sequence change creates a premature translational stop signal (p.Asn1107Lysfs*6) in the LRPPRC gene. It is expected to result in an absent or disrupted protein product. Loss-of-function variants in LRPPRC are known to be pathogenic (PMID: 26510951). This variant is not present in population databases (gnomAD no frequency). This variant has not been reported in the literature in individuals affected with LRPPRC-related conditions. For these reasons, this variant has been classified as Pathogenic.

Literature cited by the submitters: PubMed 26510951.